The following is an entry in ClinVar:

ClinVar aggregate classification (germline): Likely benign. Review status: criteria provided, multiple submitters, no conflicts (2 of 4 stars). 2 submissions from 2 submitters: Likely benign (2). Last evaluated 2025-01-01.

Allele frequency attached by ClinVar (database versions not stated): TOPMed 0.00002; ExAC 0.00003; gnomAD 0.00003.
gnomAD v4.1: 28 of 1,597,932 alleles (0.0018%); highest among the groups gnomAD compares: East Asian, 0.016%; no homozygotes.

Submissions (2):

CeGaT Center for Human Genetics Tuebingen
Classification: Likely benign. Last evaluated: 2025-01-01. Review status: criteria provided, single submitter. Criteria: CeGaT Center For Human Genetics Tuebingen Variant Classification Criteria Version 2. Collection method: clinical testing. Allele origin: germline. Affected: yes. Observed: 1 variant allele.
Comment: OTOGL: BP4, BP7

Labcorp Genetics (formerly Invitae), Labcorp
Classification: Likely benign. Last evaluated: 2022-02-18. Review status: criteria provided, single submitter. Criteria: Invitae Variant Classification Sherloc (09022015). Collection method: clinical testing. Allele origin: germline.

NM_001378609.3(OTOGL):c.423C>T (p.Phe141=)

Gene: OTOGL (otogelin like; plus strand). Cytogenetic location: 12q21.31.
Variant type: single nucleotide variant.
Coding change: c.423C>T on transcript NM_001378609.3 (MANE Select); coding-DNA position 423, C replaced by T.
Protein change: p.Phe141=; no amino-acid change (phenylalanine 141 retained).
Molecular consequence: synonymous variant.
Genome position (GRCh38, 1-based): chr12:80,222,179, C>T. VCF-style: chr12-80222179-C-T. GRCh37 (hg19) VCF-style: chr12-80615959-C-T.
Other names: c.423C>T, p.Phe141= (NM_001368062.3, NM_001378610.3, NM_173591.7).
Identifiers: ClinVar variation 2150320 (VCV002150320.17), dbSNP rs557062568, ClinGen allele CA6700162.
Genomic context (GRCh38, chr12:80,222,179, plus strand): 5'-GATTTGTAAAACCTGGGGACAGTATCATTTTGAAACATTCGATGGCATCTACTATTACTT[C>T]CCAGGAAACTGTTCTTACATTTTTGCAAAGGACTGTGGTGATTTGGAGCCTCGGTACACT-3'
Protein context (NP_001365538.2, residues 131-151): FETFDGIYYY[Phe141=]PGNCSYIFAK